The following is an entry in ClinVar:

ClinVar aggregate classification (germline): Pathogenic (1 of 4 stars; one submission).

Conditions:
Marfan syndrome (MFS). Also called: Marfan syndrome, classic; FBN1-Related Marfan Syndrome; Marfan syndrome type 1; Marfan's syndrome; MARFAN SYNDROME, TYPE I. Identifiers: Orphanet 284963, Orphanet 558, MedGen C0024796, MONDO:0007947, OMIM 154700.

Submission:

Laboratory for Molecular Medicine, Mass General Brigham Personalized Medicine
Classification: Pathogenic for Marfan syndrome. Last evaluated: 2012-03-01. Review status: criteria provided, single submitter. Criteria: LMM Criteria. Collection method: clinical testing. Allele origin: germline. Observed: 1 variant allele.
Comment: The deletion of exon 44 of FBN1 has not been reported in the literature nor prev iously identified by our laboratory. However, other large deletions containing one or multiple exons of FBN1 have been identified in individuals with Marfan sy ndrome (Human Gene Mutation Database (HGMD?), Baetens 2011, Matyas 2007, Liu 200 1) demonstrating that haploinsufficiency of the FBN1 gene is a pathogenic mechan ism in Marfan syndrome. In summary, this variant meets our criteria to be classi fied as pathogenic.

Literature cited by the submitters: PubMed 21542060; PubMed 11710961; PubMed 17492313.

NM_000138.4(FBN1):c.(?_5475)_(5542_?)del

Gene: FBN1 (fibrillin 1; minus strand). Cytogenetic location: 15q21.1.
Variant type: Deletion.
Coding change: c.(?_5475)_(5542_?)del on transcript NM_000138.4; a large deletion whose breakpoints are not mapped to the base.
Other names: c.(?_5475)_(5542_?)del (LRG_778t1).
Identifiers: ClinVar variation 163458 (VCV000163458.4).